The following is an entry in ClinVar:

NM_000038.6(APC):c.645+5391T>G

Gene: APC (APC regulator of WNT signaling pathway; plus strand). Cytogenetic location: 5q22.2.
Variant type: single nucleotide variant.
Coding change: c.645+5391T>G on transcript NM_000038.6 (MANE Select); 5391 bases into the intron after coding-DNA position 645, T replaced by G.
Molecular consequence: intron variant.
Genome position (GRCh38, 1-based): chr5:112,786,294, T>G. VCF-style: chr5-112786294-T-G. GRCh37 (hg19) VCF-style: chr5-112121991-T-G.
Other names: c.645+5391T>G (NM_001354895.2, NM_001127510.3, NM_001354896.2 and 2 more transcripts); c.675+5391T>G (NM_001354897.2, NM_001354902.2, NM_001127511.3); c.570+5391T>G (NM_001354898.2, NM_001354904.2); c.-391+5391T>G (NM_001354906.2); c.468+5391T>G (NM_001354900.2, NM_001354901.2, NM_001354905.2).
Identifiers: ClinVar variation 82459 (VCV000082459.2), dbSNP rs79365209, ClinGen allele CA011587.

ClinVar aggregate classification (germline): other (0 of 4 stars; one submission).

Conditions:
Familial colorectal cancer. Identifiers: MedGen CN280943, MONDO:0023113. Disease mechanism: loss of function.

Submission:

Systems Biology Platform Zhejiang California International NanoSystems Institute
Classification: other for Familial colorectal cancer. Review status: no assertion criteria provided. Collection method: not provided. Allele origin: unknown.
ClinVar note: Converted during submission from cancer to other.